The following is an entry in ClinVar:

ClinVar aggregate classification (germline): Uncertain significance (1 of 4 stars; one submission).

Conditions:
Hereditary cancer-predisposing syndrome. Also called: Neoplastic Syndromes, Hereditary; Tumor predisposition; Hereditary neoplastic syndrome; Hereditary Cancer Syndrome. Identifiers: Orphanet 140162, MedGen C0027672, MeSH D009386, MONDO:0015356.

Submission:

Ambry Genetics
Classification: Uncertain significance for Hereditary cancer-predisposing syndrome. Last evaluated: 2026-07-06. Review status: criteria provided, single submitter. Criteria: Ambry Variant Classification Scheme 2023. Collection method: clinical testing. Allele origin: germline.
Comment: The p.N1115S variant (also known as c.3344A>G), located in coding exon 24 of the MSH3 gene, results from an A to G substitution at nucleotide position 3344. The asparagine at codon 1115 is replaced by serine, an amino acid with highly similar properties. This amino acid position is conserved. In addition, this alteration is predicted to be tolerated by in silico analysis. Based on the available evidence, the clinical significance of this variant remains unclear.

NM_002439.5(MSH3):c.3344A>G (p.Asn1115Ser)

Gene: MSH3 (mutS homolog 3; plus strand). Cytogenetic location: 5q14.1.
Variant type: single nucleotide variant.
Coding change: c.3344A>G on transcript NM_002439.5 (MANE Select); coding-DNA position 3344, A replaced by G.
Protein change: p.Asn1115Ser; replaces asparagine 1115 with serine.
Molecular consequence: missense variant.
Genome position (GRCh38, 1-based): chr5:80,875,792, A>G. VCF-style: chr5-80875792-A-G. GRCh37 (hg19) VCF-style: chr5-80171611-A-G.
Other names: short protein forms N1115S.
Identifiers: ClinVar variation 5024776 (VCV005024776.1).